The following is an entry in ClinVar:

NM_014112.5(TRPS1):c.3350T>C (p.Phe1117Ser)

Gene: TRPS1 (transcriptional repressor GATA binding 1; minus strand). Cytogenetic location: 8q23.3.
Variant type: single nucleotide variant.
Coding change: c.3350T>C on transcript NM_014112.5 (MANE Select); coding-DNA position 3350, T replaced by C.
Protein change: p.Phe1117Ser; replaces phenylalanine 1117 with serine.
Molecular consequence: missense variant.
Genome position (GRCh38, 1-based): chr8:115,414,558, A>G on the plus strand (T>C on the coding strand, the complement: TRPS1 is on the minus strand). VCF-style: chr8-115414558-A-G. GRCh37 (hg19) VCF-style: chr8-116426786-A-G.
Other names: c.3323T>C, p.Phe1108Ser (NM_001282902.3); c.3329T>C, p.Phe1110Ser (NM_001282903.3); c.3311T>C, p.Phe1104Ser (NM_001330599.2); short protein forms F1104S, F1108S, F1110S, F1117S.
Identifiers: ClinVar variation 1027825 (VCV001027825.1), dbSNP rs1812867470, ClinGen allele CA372062949.

ClinVar aggregate classification (germline): Uncertain significance (1 of 4 stars; one submission).

Conditions:
Trichorhinophalangeal dysplasia type I (TRPS1). Also called: TRICHORHINOPHALANGEAL SYNDROME, TYPE I; TRPS I. Identifiers: Orphanet 77258, MedGen C0432233, MONDO:0008596, OMIM 190350.

Submission:

Baylor Genetics
Classification: Uncertain significance for Trichorhinophalangeal dysplasia type I. Last evaluated: 2020-02-14. Review status: criteria provided, single submitter. Criteria: ACMG Guidelines, 2015. Collection method: clinical testing. Allele origin: unknown. Affected: yes.
Comment: This variant was determined to be of uncertain significance according to ACMG Guidelines, 2015 [PMID:25741868].